The following is an entry in ClinVar:

NM_001875.5(CPS1):c.3928-4A>G

Gene: CPS1 (carbamoyl-phosphate synthase 1; plus strand). Cytogenetic location: 2q34.
Variant type: single nucleotide variant.
Coding change: c.3928-4A>G on transcript NM_001875.5 (MANE Select); 4 bases into the intron before coding-DNA position 3928, A replaced by G.
Molecular consequence: intron variant.
Genome position (GRCh38, 1-based): chr2:210,663,119, A>G. VCF-style: chr2-210663119-A-G. GRCh37 (hg19) VCF-style: chr2-211527843-A-G.
Other names: c.3928-4A>G (NM_001369257.1, NM_001122633.3); c.3961-4A>G (NM_001369256.1).
Identifiers: ClinVar variation 3239345 (VCV003239345.20), dbSNP rs199854797.

ClinVar aggregate classification (germline): Conflicting classifications of pathogenicity. Review status: criteria provided, conflicting classifications (1 of 4 stars). 2 submissions from 2 submitters: Likely pathogenic (1); Uncertain significance (1). Last evaluated 2025-12-08.

Conditions:
Congenital hyperammonemia, type I. Also called: CPS I DEFICIENCY; Carbamoyl phosphate synthetase 1 deficiency; Hyperammonemia due to carbamoyl phosphate synthetase 1 deficiency; CPS 1 deficiency; Carbamyl phosphate synthetase (CPS) deficiency; Carbamoyl-phosphate synthase I deficiency. Identifiers: Orphanet 147, MedGen C4082171, MONDO:0009376, OMIM 237300.

Allele frequency attached by ClinVar (database versions not stated): gnomAD exomes below 0.00001.
gnomAD v4.1: 2 of 1,612,256 alleles (0.00012%); highest among the groups gnomAD compares: Non-Finnish European, 0.00017%; no homozygotes.

Submissions (2):

Myriad Genetics, Inc.
Classification: Uncertain significance for Congenital hyperammonemia, type I. Last evaluated: 2025-12-08. Review status: criteria provided, single submitter. Criteria: Myriad Autosomal Dominant, Autosomal Recessive and X-Linked Classification Criteria (2023). Collection method: clinical testing. Allele origin: unknown.
Comment: NM_001875.4(CPS1):c.3928-4A>G is an intronic variant classified as a variant of uncertain significance in the context of carbamoylphosphate synthetase I deficiency. c.3928-4A>G has been observed in a case with relevant disease (PMID: 33309754). Relevant functional assessments of this variant are not available in the literature. c.3928-4A>G has not been observed in referenced population frequency databases. In summary, there is insufficient evidence to classify NM_001875.4(CPS1):c.3928-4A>G as pathogenic or benign. Please note: this variant was assessed in the context of healthy population screening.

CeGaT Center for Human Genetics Tuebingen
Classification: Likely pathogenic. Last evaluated: 2024-05-01. Review status: criteria provided, single submitter. Criteria: CeGaT Center For Human Genetics Tuebingen Variant Classification Criteria Version 2. Collection method: clinical testing. Allele origin: germline. Affected: yes. Observed: 1 variant allele.
Comment: CPS1: PM2, PM3, PM4, PP4

Literature cited by the submitters: PubMed 33309754 (cited by Myriad Genetics, Inc.).